The following is an entry in ClinVar:

ClinVar aggregate classification (germline): Pathogenic (1 of 4 stars; one submission).

Conditions:
Fanconi anemia (FA). Also called: Fanconi's anemia. Identifiers: Orphanet 84, MedGen C0015625, MeSH D005199, MONDO:0019391.

Submission:

Labcorp Genetics (formerly Invitae), Labcorp
Classification: Pathogenic for Fanconi anemia. Last evaluated: 2021-10-03. Review status: criteria provided, single submitter. Criteria: Invitae Variant Classification Sherloc (09022015). Collection method: clinical testing. Allele origin: germline.
Comment: For these reasons, this variant has been classified as Pathogenic. This variant disrupts a region of the FANCA protein in which other variant(s) (p.Arg951Trp) have been determined to be pathogenic (PMID: 17924555, 22778927, 24349332, 24584348, 26799702). This suggests that this is a clinically significant region of the protein, and that variants that disrupt it are likely to be disease-causing. Experimental studies and prediction algorithms are not available or were not evaluated, and the functional significance of this variant is currently unknown. This variant has not been reported in the literature in individuals affected with FANCA-related conditions. This variant is a gross deletion of the genomic region encompassing exon(s) 21-36 of the FANCA gene. This variant would be expected to be in-frame, preserving the integrity of the reading frame.

Literature cited by the submitters: PubMed 17924555; PubMed 22778927; PubMed 24349332; PubMed 24584348; PubMed 26799702.

NC_000016.9:g.(?_89811357)_(89842233_?)del

Gene: FANCA (FA complementation group A; minus strand). Cytogenetic location: 16q24.3.
Variant type: Deletion.
Identifiers: ClinVar variation 1458392 (VCV001458392.4).